The following is an entry in ClinVar:

NM_004260.4(RECQL4):c.683T>A (p.Leu228His)

Gene: RECQL4 (RecQ like helicase 4; minus strand). Cytogenetic location: 8q24.3.
Variant type: single nucleotide variant.
Coding change: c.683T>A on transcript NM_004260.4 (MANE Select); coding-DNA position 683, T replaced by A.
Protein change: p.Leu228His; replaces leucine 228 with histidine.
Molecular consequence: missense variant. On other transcripts: 5 prime UTR variant (15), non-coding transcript variant (3), intron variant (3).
Genome position (GRCh38, 1-based): chr8:144,516,436, A>T on the plus strand (T>A on the coding strand, the complement: RECQL4 is on the minus strand). VCF-style: chr8-144516436-A-T. GRCh37 (hg19) VCF-style: chr8-145741820-A-T.
Other names: c.-389T>A (NM_001413038.1, NM_001413040.1, NM_001413042.1 and 5 more transcripts); c.683T>A, p.Leu228His (NM_001413039.1, NM_001413017.1, NM_001413018.1 and 4 more transcripts); c.-451T>A (NM_001413041.1, NM_001413027.1, NM_001413030.1 and 2 more transcripts); c.-658T>A (NM_001413043.1); c.355-23T>A (NM_001413029.1); c.-366-23T>A (NM_001413021.1, NM_001413028.1); c.554T>A, p.Leu185His (NM_001413025.1); c.-293T>A (NM_001413034.1); short protein forms L185H, L228H.
Identifiers: ClinVar variation 4841554 (VCV004841554.1).
Genomic context (GRCh38, chr8:144,516,436, plus strand): 5'-CGGATGCTGACTTCTTGGAAGGCTGAAGCCTCTGGGCCCTGGGAGCCAGCACCAGGACCA[A>T]GGACAGCCGACTCACCAGGGATCAGAAGTTGTGATTCCTCTGAGCCTAGATCAGGCCTGC-3'
Protein context (NP_004251.4, residues 218-238): QLLIPGESAV[Leu228His]GPGAGSQGPE

ClinVar aggregate classification (germline): Uncertain significance (1 of 4 stars; one submission).

Conditions:
Inborn genetic diseases. Identifiers: MedGen C0950123, MeSH D030342.

Submission:

Ambry Genetics
Classification: Uncertain significance for Inborn genetic diseases. Last evaluated: 2025-12-15. Review status: criteria provided, single submitter. Criteria: Ambry Variant Classification Scheme 2023. Collection method: clinical testing. Allele origin: germline.
Comment: The p.L228H variant (also known as c.683T>A), located in coding exon 5 of the RECQL4 gene, results from a T to A substitution at nucleotide position 683. The leucine at codon 228 is replaced by histidine, an amino acid with similar properties. This amino acid position is conserved. In addition, this alteration is predicted to be tolerated by in silico analysis. Based on the available evidence, the clinical significance of this variant remains unclear.